The following is an entry in ClinVar:

NM_170665.4(ATP2A2):c.2318+3A>G

Gene: ATP2A2 (ATPase sarcoplasmic/endoplasmic reticulum Ca2+ transporting 2; plus strand). Cytogenetic location: 12q24.11.
Variant type: single nucleotide variant.
Coding change: c.2318+3A>G on transcript NM_170665.4 (MANE Select); 3 bases into the intron after coding-DNA position 2318, A replaced by G.
Molecular consequence: intron variant.
Genome position (GRCh38, 1-based): chr12:110,342,451, A>G. VCF-style: chr12-110342451-A-G. GRCh37 (hg19) VCF-style: chr12-110780256-A-G.
Other names: c.2318+3A>G (NM_001681.4).
Identifiers: ClinVar variation 883906 (VCV000883906.7), dbSNP rs201126870, ClinGen allele CA6784074.

ClinVar aggregate classification (germline): Likely benign. Review status: criteria provided, multiple submitters, no conflicts (2 of 4 stars). 3 submissions from 3 submitters: Likely benign (3). Last evaluated 2024-09-06.

Conditions:
Keratosis follicularis (DAR). Also called: Darier disease; Darier's disease. Identifiers: Orphanet 218, MedGen C0022595, MONDO:0007417, OMIM 124200.
Inborn genetic diseases. Identifiers: MedGen C0950123, MeSH D030342.

Allele frequency attached by ClinVar (database versions not stated): ExAC 0.00010; gnomAD exomes 0.00014 and 0.00066; gnomAD 0.00027; TOPMed 0.00031; ESP Exome Variant Server 0.00038.
gnomAD v4.1: 989 of 1,612,922 alleles (0.061%); highest among the groups gnomAD compares: Non-Finnish European, 0.081%; 1 homozygote.

Submissions (3):

Blueprint Genetics
Classification: Likely benign. Last evaluated: 2024-09-06. Review status: criteria provided, single submitter. Criteria: ACMG Guidelines, 2015. Collection method: clinical testing. Allele origin: germline.

Ambry Genetics
Classification: Likely benign for Inborn genetic diseases. Last evaluated: 2021-12-20. Review status: criteria provided, single submitter. Criteria: Ambry Variant Classification Scheme 2023. Collection method: clinical testing. Allele origin: germline.

Illumina Laboratory Services, Illumina
Classification: Likely benign for Keratosis follicularis. Last evaluated: 2018-01-13. Review status: criteria provided, single submitter. Criteria: ICSL Variant Classification Criteria 13 December 2019. Collection method: clinical testing. Allele origin: germline.
Comment: This variant was observed in the ICSL laboratory as part of a predisposition screen in an ostensibly healthy population. It had not been previously curated by ICSL or reported in the Human Gene Mutation Database (HGMD: prior to June 1st, 2018), and was therefore a candidate for classification through an automated scoring system. Utilizing variant allele frequency, disease prevalence and penetrance estimates, and inheritance mode, an automated score was calculated to assess if this variant is too frequent to cause the disease. Based on the score and internal cut-off values, a variant classified as likely benign is not then subjected to further curation. The score for this variant resulted in a classification of likely benign for this disease.